The following is an entry in ClinVar:

NM_024105.4(ALG12):c.-203G>A

Genes: ALG12 (ALG12 alpha-1,6-mannosyltransferase; minus strand), LOC130067776 (ATAC-STARR-seq lymphoblastoid silent region 13929; plus strand). Cytogenetic location: 22q13.33.
Variant type: single nucleotide variant.
Coding change: c.-203G>A on transcript NM_024105.4 (MANE Select); 203 bases upstream of the start codon, G replaced by A.
Molecular consequence: 5 prime UTR variant.
Genome position (GRCh38, 1-based): chr22:49,918,387, C>T on the plus strand (G>A on the coding strand, the complement: ALG12 is on the minus strand). VCF-style: chr22-49918387-C-T. GRCh37 (hg19) VCF-style: chr22-50312035-C-T.
Identifiers: ClinVar variation 342068 (VCV000342068.6), dbSNP rs9616379, ClinGen allele CA10654191.

ClinVar aggregate classification (germline): Benign. Review status: criteria provided, multiple submitters, no conflicts (2 of 4 stars). 2 submissions from 2 submitters: Benign (2). Last evaluated 2018-01-13.

Conditions:
ALG12-congenital disorder of glycosylation (CDG1G). Also called: CDG Ig; Congenital disorder of glycosylation, type Ig; ALG12-CDG. Identifiers: Orphanet 79324, MedGen C2931001, MONDO:0011783, OMIM 607143.

Allele frequency attached by ClinVar (database versions not stated): TOPMed 0.22938; 1000 Genomes Project 30x 0.24344; 1000 Genomes Project 0.24481.
gnomAD v4.1: 37,375 of 164,248 alleles (23%); highest among the groups gnomAD compares: African/African-American, 34%; 4,723 homozygotes.

Submissions (2):

Illumina Laboratory Services, Illumina
Classification: Benign for ALG12-congenital disorder of glycosylation. Last evaluated: 2018-01-13. Review status: criteria provided, single submitter. Criteria: ICSL Variant Classification Criteria 13 December 2019. Collection method: clinical testing. Allele origin: germline.
Comment: This variant was observed in the ICSL laboratory as part of a predisposition screen in an ostensibly healthy population. It had not been previously curated by ICSL or reported in the Human Gene Mutation Database (HGMD: prior to June 1st, 2018), and was therefore a candidate for classification through an automated scoring system. Utilizing variant allele frequency, disease prevalence and penetrance estimates, and inheritance mode, an automated score was calculated to assess if this variant is too frequent to cause the disease. Based on the score and internal cut-off values, a variant classified as benign is not then subjected to further curation. The score for this variant resulted in a classification of benign for this disease.

Breakthrough Genomics
Classification: Benign. Review status: criteria provided, single submitter. Criteria: ACMG Guidelines, 2015. Collection method: not provided. Allele origin: germline. Inheritance: Autosomal recessive inheritance. Affected: yes.